The following is an entry in ClinVar:

NM_001131016.2(CIZ1):c.87_101del (p.21QQQQL[2])

Gene: CIZ1 (CDKN1A interacting zinc finger protein 1; minus strand). Cytogenetic location: 9q34.11.
Variant type: Deletion.
Coding change: c.87_101del on transcript NM_001131016.2 (MANE Select); coding-DNA positions 87 to 101, 15 bases deleted (ATTGCAGCAGCAGCA).
Protein change: p.21QQQQL[2].
Molecular consequence: inframe deletion. On other transcripts: 5 prime UTR variant (1).
Genome position (GRCh38, 1-based): chr9:128,190,757-128,190,771, TGCTGCTGCTGCAAT deleted on the plus strand (ATTGCAGCAGCAGCA on the coding strand, the reverse complement: CIZ1 is on the minus strand); deleting any 15 consecutive bases within chr9:128,190,757-128,190,782 gives the same sequence; the c. name uses the placement nearest the transcript's 3' end. VCF-style (leftmost placement, unchanged base first): chr9-128190756-CTGCTGCTGCTGCAAT-C. GRCh37 (hg19) VCF-style: chr9-130953035-CTGCTGCTGCTGCAAT-C.
Other names: c.87_101del, p.21QQQQL[2] (NM_001131015.2, NM_001131017.2, NM_001131018.2 and 1 more transcripts); c.177_191del, p.51QQQQL[2] (NM_001257975.2); c.-101_-87del (NM_001257976.2).
Identifiers: ClinVar variation 2202260 (VCV002202260.4), dbSNP rs1833033656, ClinGen allele CA1880159920.

ClinVar aggregate classification (germline): Uncertain significance (1 of 4 stars; one submission).

Conditions:
Dystonic disorder. Also called: Dystonia. Identifiers: MedGen C0013421, MONDO:0003441, HP:0001332.

Submission:

Labcorp Genetics (formerly Invitae), Labcorp
Classification: Uncertain significance for Dystonic disorder. Last evaluated: 2022-06-09. Review status: criteria provided, single submitter. Criteria: Invitae Variant Classification Sherloc (09022015). Collection method: clinical testing. Allele origin: germline.
Comment: This variant has not been reported in the literature in individuals affected with CIZ1-related conditions. This variant is not present in population databases (gnomAD no frequency). This variant, c.87_101del, results in the deletion of 5 amino acid(s) of the CIZ1 protein (p.Gln31_Leu35del), but otherwise preserves the integrity of the reading frame. In summary, the available evidence is currently insufficient to determine the role of this variant in disease. Therefore, it has been classified as a Variant of Uncertain Significance. Experimental studies and prediction algorithms are not available or were not evaluated, and the functional significance of this variant is currently unknown.